The following is an entry in ClinVar:

ClinVar aggregate classification (germline): Likely benign (1 of 4 stars; one submission).

gnomAD v4.1: 4 of 1,613,832 alleles (0.00025%); highest among the groups gnomAD compares: Non-Finnish European, 0.00034%; no homozygotes.

Submission:

CeGaT Center for Human Genetics Tuebingen
Classification: Likely benign. Last evaluated: 2025-06-01. Review status: criteria provided, single submitter. Criteria: CeGaT Center For Human Genetics Tuebingen Variant Classification Criteria Version 2. Collection method: clinical testing. Allele origin: germline. Affected: yes. Observed: 1 variant allele.
Comment: CEP152: BP4, BP7

NM_001194998.2(CEP152):c.609G>A (p.Gln203=)

Gene: CEP152 (centrosomal protein 152; minus strand). Cytogenetic location: 15q21.1.
Variant type: single nucleotide variant.
Coding change: c.609G>A on transcript NM_001194998.2 (MANE Select); coding-DNA position 609, G replaced by A.
Protein change: p.Gln203=; no amino-acid change (glutamine 203 retained).
Molecular consequence: synonymous variant.
Genome position (GRCh38, 1-based): chr15:48,796,092, C>T on the plus strand (G>A on the coding strand, the complement: CEP152 is on the minus strand). VCF-style: chr15-48796092-C-T. GRCh37 (hg19) VCF-style: chr15-49088289-C-T.
Other names: c.609G>A, p.Gln203= (NM_014985.4).
Identifiers: ClinVar variation 3905656 (VCV003905656.10).